The following is an entry in ClinVar:

ClinVar aggregate classification (germline): Uncertain significance (1 of 4 stars; one submission).

Conditions:
Early Myoclonic Encephalopathy. Identifiers: MedGen C0270855.

Allele frequency attached by ClinVar (database versions not stated): TOPMed below 0.00001; ExAC 0.00001; gnomAD exomes below 0.00001.
gnomAD v4.1: 4 of 1,613,758 alleles (0.00025%); highest among the groups gnomAD compares: South Asian, 0.0022%; no homozygotes.

Submission:

Labcorp Genetics (formerly Invitae), Labcorp
Classification: Uncertain significance for Early Myoclonic Encephalopathy. Last evaluated: 2022-02-04. Review status: criteria provided, single submitter. Criteria: Invitae Variant Classification Sherloc (09022015). Collection method: clinical testing. Allele origin: germline.
Comment: This sequence change replaces histidine, which is basic and polar, with tyrosine, which is neutral and polar, at codon 473 of the JMJD1C protein (p.His473Tyr). In summary, the available evidence is currently insufficient to determine the role of this variant in disease. Therefore, it has been classified as a Variant of Uncertain Significance. Algorithms developed to predict the effect of missense changes on protein structure and function are either unavailable or do not agree on the potential impact of this missense change (SIFT: "Deleterious"; PolyPhen-2: "Benign"; Align-GVGD: "Class C0"). This variant has not been reported in the literature in individuals affected with JMJD1C-related conditions. This variant is present in population databases (rs767164202, gnomAD 0.006%).

NM_032776.3(JMJD1C):c.1417C>T (p.His473Tyr)

Gene: JMJD1C (jumonji domain containing 1C; minus strand). Cytogenetic location: 10q21.3.
Variant type: single nucleotide variant.
Coding change: c.1417C>T on transcript NM_032776.3 (MANE Select); coding-DNA position 1417, C replaced by T.
Protein change: p.His473Tyr; replaces histidine 473 with tyrosine.
Molecular consequence: missense variant. On other transcripts: non-coding transcript variant (1).
Genome position (GRCh38, 1-based): chr10:63,214,750, G>A on the plus strand (C>T on the coding strand, the complement: JMJD1C is on the minus strand). VCF-style: chr10-63214750-G-A. GRCh37 (hg19) VCF-style: chr10-64974510-G-A.
Other names: c.871C>T, p.His291Tyr (NM_001282948.2, NM_001318154.2); c.553C>T, p.His185Tyr (NM_001318153.2); c.1303C>T, p.His435Tyr (NM_001322252.2); c.760C>T, p.His254Tyr (NM_001322254.2, NM_001322258.2); short protein forms H185Y, H291Y, H254Y, H435Y, H473Y.
Identifiers: ClinVar variation 2093284 (VCV002093284.4), dbSNP rs767164202, ClinGen allele CA5518807.